The following is an entry in ClinVar:

ClinVar aggregate classification (germline): Uncertain significance. Review status: criteria provided, multiple submitters, no conflicts (2 of 4 stars). 2 submissions from 2 submitters: Uncertain significance (2). Last evaluated 2025-10-02.

Conditions:
Myofibrillar myopathy 5. Also called: Filaminopathy (type); FILAMINOPATHY, AUTOSOMAL DOMINANT. Identifiers: Orphanet 171445, MedGen C1836050, MONDO:0012289, OMIM 609524.
Distal myopathy with posterior leg and anterior hand involvement. Also called: WILLIAMS DISTAL MYOPATHY. Identifiers: Orphanet 63273, MedGen C3279722, MONDO:0013550, OMIM 614065.
Hypertrophic cardiomyopathy 26. Also called: Cardiomyopathy, familial hypertrophic, 26. Identifiers: Orphanet 75249, MedGen C4310749, MONDO:0014883, OMIM 617047.
Cardiovascular phenotype. Identifiers: MedGen CN230736.

Allele frequency attached by ClinVar (database versions not stated): gnomAD exomes below 0.00001 and 0.00001; gnomAD 0.00001; ExAC 0.00002.
gnomAD v4.1: 10 of 1,614,148 alleles (0.00062%); highest among the groups gnomAD compares: Non-Finnish European, 0.00076%; no homozygotes.

Submissions (2):

Labcorp Genetics (formerly Invitae), Labcorp
Classification: Uncertain significance for Distal myopathy with posterior leg and anterior hand involvement; Myofibrillar myopathy 5; Hypertrophic cardiomyopathy 26. Last evaluated: 2025-10-02. Review status: criteria provided, single submitter. Criteria: Invitae Variant Classification Sherloc (09022015). Collection method: clinical testing. Allele origin: germline.
Comment: This sequence change replaces tyrosine, which is neutral and polar, with aspartic acid, which is acidic and polar, at codon 537 of the FLNC protein (p.Tyr537Asp). This variant is present in population databases (rs760471547, gnomAD 0.002%). This variant has not been reported in the literature in individuals affected with FLNC-related conditions. ClinVar contains an entry for this variant (Variation ID: 944899). Invitae Evidence Modeling of protein sequence and biophysical properties (such as structural, functional, and spatial information, amino acid conservation, physicochemical variation, residue mobility, and thermodynamic stability) has been performed for this missense variant. However, the output from this modeling did not meet the statistical confidence thresholds required to predict the impact of this variant on FLNC protein function. In summary, the available evidence is currently insufficient to determine the role of this variant in disease. Therefore, it has been classified as a Variant of Uncertain Significance.

Ambry Genetics
Classification: Uncertain significance for Cardiovascular phenotype. Last evaluated: 2024-12-16. Review status: criteria provided, single submitter. Criteria: Ambry Variant Classification Scheme 2023. Collection method: clinical testing. Allele origin: germline.
Comment: The p.Y537D variant (also known as c.1609T>G), located in coding exon 10 of the FLNC gene, results from a T to G substitution at nucleotide position 1609. The tyrosine at codon 537 is replaced by aspartic acid, an amino acid with highly dissimilar properties. This variant was reported in an individual in a hypertrophic cardiomyopathy (HCM) cohort, but an additional alteration in a HCM-related gene was identified (Chumakova OS et al. Genes (Basel), 2023 Nov;14:[ePub ahead of print]). This amino acid position is highly conserved in available vertebrate species. In addition, this alteration is predicted to be deleterious by in silico analysis. Based on the available evidence, the clinical significance of this variant remains unclear.

Literature cited by the submitters: PubMed 38002985 (cited by Ambry Genetics).

NM_001458.5(FLNC):c.1609T>G (p.Tyr537Asp)

Gene: FLNC (filamin C; plus strand). Cytogenetic location: 7q32.1.
Variant type: single nucleotide variant.
Coding change: c.1609T>G on transcript NM_001458.5 (MANE Select); coding-DNA position 1609, T replaced by G.
Protein change: p.Tyr537Asp; replaces tyrosine 537 with aspartic acid.
Molecular consequence: missense variant.
Genome position (GRCh38, 1-based): chr7:128,840,607, T>G. VCF-style: chr7-128840607-T-G. GRCh37 (hg19) VCF-style: chr7-128480661-T-G.
Other names: c.1609T>G, p.Tyr537Asp (NM_001127487.2); short protein forms Y537D.
Identifiers: ClinVar variation 944899 (VCV000944899.8), dbSNP rs760471547, ClinGen allele CA4474411.